The following is an entry in ClinVar:

ClinVar aggregate classification (germline): Uncertain significance (1 of 4 stars; one submission).

Conditions:
Sulfite oxidase deficiency due to molybdenum cofactor deficiency type A. Also called: Molybdenum cofactor deficiency, complementation group A; Molybdenum Cofactor Deficiency A. Identifiers: Orphanet 308386, Orphanet 833, MedGen C1854988, MONDO:0009643, OMIM 252150.

Submission:

Labcorp Genetics (formerly Invitae), Labcorp
Classification: Uncertain significance for Sulfite oxidase deficiency due to molybdenum cofactor deficiency type A. Last evaluated: 2022-02-09. Review status: criteria provided, single submitter. Criteria: Invitae Variant Classification Sherloc (09022015). Collection method: clinical testing. Allele origin: germline.
Comment: This sequence change replaces alanine, which is neutral and non-polar, with serine, which is neutral and polar, at codon 38 of the MOCS1 protein (p.Ala38Ser). This variant is not present in population databases (gnomAD no frequency). This variant has not been reported in the literature in individuals affected with MOCS1-related conditions. Algorithms developed to predict the effect of missense changes on protein structure and function are either unavailable or do not agree on the potential impact of this missense change (SIFT: "Not Available"; PolyPhen-2: "Benign"; Align-GVGD: "Not Available"). In summary, the available evidence is currently insufficient to determine the role of this variant in disease. Therefore, it has been classified as a Variant of Uncertain Significance.

NM_001358530.2(MOCS1):c.112G>T (p.Ala38Ser)

Gene: MOCS1 (molybdenum cofactor synthesis 1; minus strand). Cytogenetic location: 6p21.2.
Variant type: single nucleotide variant.
Coding change: c.112G>T on transcript NM_001358530.2 (MANE Select); coding-DNA position 112, G replaced by T.
Protein change: p.Ala38Ser; replaces alanine 38 with serine.
Molecular consequence: missense variant. On other transcripts: 5 prime UTR variant (2), non-coding transcript variant (1).
Genome position (GRCh38, 1-based): chr6:39,934,306, C>A on the plus strand (G>T on the coding strand, the complement: MOCS1 is on the minus strand). VCF-style: chr6-39934306-C-A. GRCh37 (hg19) VCF-style: chr6-39902045-C-A.
Other names: c.112G>T, p.Ala38Ser (NM_001075098.4, NM_001358529.2); c.-23G>T (NM_001358531.2, NM_001358533.2); short protein forms A38S.
Identifiers: ClinVar variation 1374695 (VCV001374695.3), dbSNP rs532400782, ClinGen allele CA364030408.